The following is an entry in ClinVar:

NM_002187.3(IL12B):c.394G>A (p.Glu132Lys)

Gene: IL12B (interleukin 12B; minus strand). Cytogenetic location: 5q33.3.
Variant type: single nucleotide variant.
Coding change: c.394G>A on transcript NM_002187.3 (MANE Select); coding-DNA position 394, G replaced by A.
Protein change: p.Glu132Lys; replaces glutamic acid 132 with lysine.
Molecular consequence: missense variant.
Genome position (GRCh38, 1-based): chr5:159,322,482, C>T on the plus strand (G>A on the coding strand, the complement: IL12B is on the minus strand). VCF-style: chr5-159322482-C-T. GRCh37 (hg19) VCF-style: chr5-158749490-C-T.
Other names: short protein forms E132K.
Identifiers: ClinVar variation 2149525 (VCV002149525.5), dbSNP rs139186048, ClinGen allele CA3538808.

ClinVar aggregate classification (germline): Uncertain significance. Review status: criteria provided, multiple submitters, no conflicts (2 of 4 stars). 2 submissions from 2 submitters: Uncertain significance (2). Last evaluated 2025-12-06.

Conditions:
Mendelian susceptibility to mycobacterial diseases due to complete IL12B deficiency. Also called: Immunodeficiency 29; IL12B DEFICIENCY. Identifiers: Orphanet 319558, MedGen C4013948, MONDO:0013954, OMIM 614890.
Inborn genetic diseases. Identifiers: MedGen C0950123, MeSH D030342.

Allele frequency attached by ClinVar (database versions not stated): gnomAD 0.00004; ExAC 0.00005; ESP Exome Variant Server 0.00008; TOPMed 0.00015.
gnomAD v4.1: 88 of 1,613,366 alleles (0.0055%); highest among the groups gnomAD compares: Admixed American, 0.012%; no homozygotes.

Submissions (2):

Labcorp Genetics (formerly Invitae), Labcorp
Classification: Uncertain significance for Mendelian susceptibility to mycobacterial diseases due to complete IL12B deficiency. Last evaluated: 2025-12-06. Review status: criteria provided, single submitter. Criteria: Invitae Variant Classification Sherloc (09022015). Collection method: clinical testing. Allele origin: germline.
Comment: This sequence change replaces glutamic acid, which is acidic and polar, with lysine, which is basic and polar, at codon 132 of the IL12B protein (p.Glu132Lys). This variant is present in population databases (rs139186048, gnomAD 0.02%). This variant has not been reported in the literature in individuals affected with IL12B-related conditions. ClinVar contains an entry for this variant (Variation ID: 2149525). Invitae Evidence Modeling of protein sequence and biophysical properties (such as structural, functional, and spatial information, amino acid conservation, physicochemical variation, residue mobility, and thermodynamic stability) indicates that this missense variant is expected to disrupt IL12B protein function with a positive predictive value of 80%. In summary, the available evidence is currently insufficient to determine the role of this variant in disease. Therefore, it has been classified as a Variant of Uncertain Significance.

Ambry Genetics
Classification: Uncertain significance for Inborn genetic diseases. Last evaluated: 2025-04-15. Review status: criteria provided, single submitter. Criteria: Ambry Variant Classification Scheme 2023. Collection method: clinical testing. Allele origin: germline.